The following is an entry in ClinVar:

NM_004525.3(LRP2):c.538+2T>G

Gene: LRP2 (LDL receptor related protein 2; minus strand). Cytogenetic location: 2q31.1.
Variant type: single nucleotide variant.
Coding change: c.538+2T>G on transcript NM_004525.3 (MANE Select); the canonical splice donor site of the intron after coding-DNA position 538, T replaced by G.
Molecular consequence: splice donor variant.
Genome position (GRCh38, 1-based): chr2:169,294,598, A>C on the plus strand (T>G on the coding strand, the complement: LRP2 is on the minus strand). VCF-style: chr2-169294598-A-C. GRCh37 (hg19) VCF-style: chr2-170151108-A-C.
Identifiers: ClinVar variation 2748556 (VCV002748556.3), dbSNP rs764086211, ClinGen allele CA1955847.

ClinVar aggregate classification (germline): Likely pathogenic (1 of 4 stars; one submission).

Allele frequency attached by ClinVar (database versions not stated): gnomAD exomes below 0.00001; ExAC 0.00001; TOPMed 0.00001.
gnomAD v4.1: 1 of 1,598,424 alleles (0.000063%); highest among the groups gnomAD compares: Admixed American, 0.0017%; no homozygotes.

Submission:

Labcorp Genetics (formerly Invitae), Labcorp
Classification: Likely pathogenic. Last evaluated: 2023-07-30. Review status: criteria provided, single submitter. Criteria: Invitae Variant Classification Sherloc (09022015). Collection method: clinical testing. Allele origin: germline.
Comment: This sequence change affects a donor splice site in intron 5 of the LRP2 gene. It is expected to disrupt RNA splicing. Variants that disrupt the donor or acceptor splice site typically lead to a loss of protein function (PMID: 16199547), and loss-of-function variants in LRP2 are known to be pathogenic (PMID: 17632512, 25682901). In summary, the currently available evidence indicates that the variant is pathogenic, but additional data are needed to prove that conclusively. Therefore, this variant has been classified as Likely Pathogenic. Algorithms developed to predict the effect of sequence changes on RNA splicing suggest that this variant may disrupt the consensus splice site. This variant has not been reported in the literature in individuals affected with LRP2-related conditions. This variant is present in population databases (rs764086211, gnomAD 0.003%).

Literature cited by the submitters: PubMed 16199547; PubMed 17632512; PubMed 25682901.